The following is an entry in ClinVar:

ClinVar aggregate classification (germline): Uncertain significance. Review status: criteria provided, multiple submitters, no conflicts (2 of 4 stars). 2 submissions from 2 submitters: Uncertain significance (2). Last evaluated 2022-01-28.

Conditions:
Cystic fibrosis (CF). Also called: MUCOVISCIDOSIS. Identifiers: Orphanet 586, MedGen C0010674, MONDO:0009061, OMIM 219700. Disease mechanism: loss of function.

Submissions (2):

Labcorp Genetics (formerly Invitae), Labcorp
Classification: Uncertain significance for Cystic fibrosis. Last evaluated: 2022-01-28. Review status: criteria provided, single submitter. Criteria: Invitae Variant Classification Sherloc (09022015). Collection method: clinical testing. Allele origin: germline.
Comment: In summary, the available evidence is currently insufficient to determine the role of this variant in disease. Therefore, it has been classified as a Variant of Uncertain Significance. This sequence change replaces alanine, which is neutral and non-polar, with threonine, which is neutral and polar, at codon 1285 of the CFTR protein (p.Ala1285Thr). This variant is not present in population databases (gnomAD no frequency). This variant has not been reported in the literature in individuals affected with CFTR-related conditions. ClinVar contains an entry for this variant (Variation ID: 594446). Algorithms developed to predict the effect of missense changes on protein structure and function (SIFT, PolyPhen-2, Align-GVGD) all suggest that this variant is likely to be tolerated.

Eurofins Ntd Llc (ga)
Classification: Uncertain significance. Last evaluated: 2017-10-10. Review status: criteria provided, single submitter. Criteria: EGL Classification Definitions 2015. Collection method: clinical testing. Allele origin: germline. Observed: 1 variant allele, 1 heterozygote.

NM_000492.4(CFTR):c.3853G>A (p.Ala1285Thr)

Genes: CFTR (CF transmembrane conductance regulator; plus strand), CFTR-AS2 (CFTR antisense RNA 2; minus strand). Cytogenetic location: 7q31.2.
Variant type: single nucleotide variant.
Coding change: c.3853G>A on transcript NM_000492.4 (MANE Select); coding-DNA position 3853, G replaced by A.
Protein change: p.Ala1285Thr; replaces alanine 1285 with threonine.
Molecular consequence: missense variant.
Genome position (GRCh38, 1-based): chr7:117,642,573, G>A. VCF-style: chr7-117642573-G-A. GRCh37 (hg19) VCF-style: chr7-117282627-G-A.
Other names: short protein forms A1285T.
Identifiers: ClinVar variation 594446 (VCV000594446.9), dbSNP rs868174013, ClinGen allele CA164947691.